The following is an entry in ClinVar:

NM_000135.4(FANCA):c.1733A>G (p.Tyr578Cys)

Gene: FANCA (FA complementation group A; minus strand). Cytogenetic location: 16q24.3.
Variant type: single nucleotide variant.
Coding change: c.1733A>G on transcript NM_000135.4 (MANE Select); coding-DNA position 1733, A replaced by G.
Protein change: p.Tyr578Cys; replaces tyrosine 578 with cysteine.
Molecular consequence: missense variant.
Genome position (GRCh38, 1-based): chr16:89,778,986, T>C on the plus strand (A>G on the coding strand, the complement: FANCA is on the minus strand). VCF-style: chr16-89778986-T-C. GRCh37 (hg19) VCF-style: chr16-89845394-T-C.
Other names: c.1733A>G, p.Tyr578Cys (NM_001286167.3); short protein forms Y578C.
Identifiers: ClinVar variation 1063874 (VCV001063874.9), dbSNP rs2143424595, ClinGen allele CA397454890.

ClinVar aggregate classification (germline): Uncertain significance (1 of 4 stars; one submission).

Conditions:
Fanconi anemia (FA). Also called: Fanconi's anemia. Identifiers: Orphanet 84, MedGen C0015625, MeSH D005199, MONDO:0019391.

Allele frequency attached by ClinVar (database versions not stated): gnomAD exomes below 0.00001.
gnomAD v4.1: 2 of 1,613,754 alleles (0.00012%); highest among the groups gnomAD compares: Non-Finnish European, 0.00017%; no homozygotes.

Submission:

Labcorp Genetics (formerly Invitae), Labcorp
Classification: Uncertain significance for Fanconi anemia. Last evaluated: 2022-02-10. Review status: criteria provided, single submitter. Criteria: Invitae Variant Classification Sherloc (09022015). Collection method: clinical testing. Allele origin: germline.
Comment: In summary, the available evidence is currently insufficient to determine the role of this variant in disease. Therefore, it has been classified as a Variant of Uncertain Significance. Advanced modeling of protein sequence and biophysical properties (such as structural, functional, and spatial information, amino acid conservation, physicochemical variation, residue mobility, and thermodynamic stability) performed at Invitae indicates that this missense variant is expected to disrupt FANCA protein function. ClinVar contains an entry for this variant (Variation ID: 1063874). This variant has not been reported in the literature in individuals affected with FANCA-related conditions. This variant is not present in population databases (gnomAD no frequency). This sequence change replaces tyrosine, which is neutral and polar, with cysteine, which is neutral and slightly polar, at codon 578 of the FANCA protein (p.Tyr578Cys).